The following is an entry in ClinVar:

NM_201253.3(CRB1):c.3542dup (p.Cys1181fs)

Gene: CRB1 (crumbs cell polarity complex component 1; plus strand). Cytogenetic location: 1q31.3.
Variant type: Duplication.
Coding change: c.3542dup on transcript NM_201253.3 (MANE Select); coding-DNA position 3542, one base duplicated (G; older notation c.3542dupG).
Protein change: p.Cys1181fs; shifts the reading frame from cysteine 1181.
Molecular consequence: frameshift variant. On other transcripts: non-coding transcript variant (2), intron variant (1).
Genome position (GRCh38, 1-based): chr1:197,435,405, G duplicated. VCF-style (leftmost placement, unchanged base first): chr1-197435404-T-TG. GRCh37 (hg19) VCF-style: chr1-197404534-T-TG.
Other names: c.3542dup (NM_201253.2); c.3542dupG (NM_201253.2); c.3206dup, p.Cys1069fs (NM_001193640.2); c.3470dup, p.Cys1157fs (NM_001257965.2); c.2129-195dup (NM_001257966.2); short protein forms C1069fs, C1157fs, C1181fs.
Identifiers: ClinVar variation 438079 (VCV000438079.10), dbSNP rs1553263218, ClinGen allele CA645509087.

ClinVar aggregate classification (germline): Pathogenic. Review status: criteria provided, multiple submitters, no conflicts (2 of 4 stars). 4 submissions from 4 submitters: Pathogenic (3). 1 of the submissions does not count toward it. Last evaluated 2025-03-13.

Conditions:
Retinitis pigmentosa 12 (RP12). Also called: RP WITH OR WITHOUT PPRPE; RP WITH OR WITHOUT PRESERVED PARAARTERIOLE RETINAL PIGMENT EPITHELIUM; RETINITIS PIGMENTOSA WITH OR WITHOUT PARAARTERIOLAR PRESERVATION OF RETINAL PIGMENT EPITHELIUM. Identifiers: Orphanet 791, MedGen C1838647, MONDO:0010818, OMIM 600105.
Leber congenital amaurosis 8 (LCA8). Identifiers: Orphanet 65, MedGen C3151202, MONDO:0013453, OMIM 613835.
Retinal dystrophy. Also called: Inherited retinal dystrophy. Identifiers: Orphanet 71862, MedGen C0854723, MeSH D058499, MONDO:0019118, HP:0000556.

Submissions (4):

GeneDx
Classification: Pathogenic. Last evaluated: 2025-03-13. Review status: criteria provided, single submitter. Criteria: GeneDx Variant Classification Process June 2021. Collection method: clinical testing. Allele origin: germline. Affected: yes.
Comment: Frameshift variant predicted to result in protein truncation or nonsense mediated decay in a gene for which loss of function is a known mechanism of disease; Not observed at significant frequency in large population cohorts (gnomAD); This variant is associated with the following publications: (PMID: 20956273, 28041643, 38219857, 18055820)

Labcorp Genetics (formerly Invitae), Labcorp
Classification: Pathogenic for Leber congenital amaurosis 8; Retinitis pigmentosa 12. Last evaluated: 2024-01-04. Review status: criteria provided, single submitter. Criteria: Invitae Variant Classification Sherloc (09022015). Collection method: clinical testing. Allele origin: germline.
Comment: This sequence change creates a premature translational stop signal (p.Cys1181Trpfs*13) in the CRB1 gene. It is expected to result in an absent or disrupted protein product. Loss-of-function variants in CRB1 are known to be pathogenic (PMID: 10508521, 22065545, 23379534, 25412400, 26957898, 28041643, 29391521). This variant is not present in population databases (gnomAD no frequency). This premature translational stop signal has been observed in individuals with inherited retinal dystrophy (PMID: 18055820, 28041643). This variant is also known as C1181InsG. ClinVar contains an entry for this variant (Variation ID: 438079). For these reasons, this variant has been classified as Pathogenic.

Baylor Genetics
Classification: Pathogenic for Leber congenital amaurosis 8. Last evaluated: 2023-09-07. Review status: criteria provided, single submitter. Criteria: ACMG Guidelines, 2015. Collection method: clinical testing. Allele origin: unknown.

NIHR Bioresource Rare Diseases, University of Cambridge
Classification: Pathogenic for Retinal dystrophy. Last evaluated: 2015-01-01. Review status: no assertion criteria provided. Collection method: research. Allele origin: unknown. Affected: yes. Observed: 1 variant allele. Not counted in ClinVar's aggregate classification.

Literature cited by the submitters: PubMed 10508521 (cited by Labcorp Genetics (formerly Invitae), Labcorp); PubMed 22065545 (cited by Labcorp Genetics (formerly Invitae), Labcorp); PubMed 23379534 (cited by Labcorp Genetics (formerly Invitae), Labcorp); PubMed 25412400 (cited by Labcorp Genetics (formerly Invitae), Labcorp); PubMed 26957898 (cited by Labcorp Genetics (formerly Invitae), Labcorp); PubMed 28041643 (cited by Labcorp Genetics (formerly Invitae), Labcorp and NIHR Bioresource Rare Diseases, University of Cambridge); PubMed 29391521 (cited by Labcorp Genetics (formerly Invitae), Labcorp); PubMed 18055820 (cited by Labcorp Genetics (formerly Invitae), Labcorp and NIHR Bioresource Rare Diseases, University of Cambridge).